The following is an entry in ClinVar:

ClinVar aggregate classification (germline): Uncertain significance. Review status: criteria provided, multiple submitters, no conflicts (2 of 4 stars). 2 submissions from 2 submitters: Uncertain significance (2). Last evaluated 2026-01-31.

Conditions:
Dilated cardiomyopathy 1G (CMD1G). Identifiers: Orphanet 154, MedGen C1858763, MONDO:0011400, OMIM 604145.
Autosomal recessive limb-girdle muscular dystrophy type 2J (LGMDR10). Also called: Limb-girdle muscular dystrophy, type 2J; MUSCULAR DYSTROPHY, LIMB-GIRDLE, AUTOSOMAL RECESSIVE 10. Identifiers: Orphanet 140922, MedGen C1837342, MONDO:0012127, OMIM 608807.

Allele frequency attached by ClinVar (database versions not stated): gnomAD 0.00002; gnomAD exomes 0.00002; TOPMed 0.00002.

Submissions (2):

Labcorp Genetics (formerly Invitae), Labcorp
Classification: Uncertain significance for Dilated cardiomyopathy 1G; Autosomal recessive limb-girdle muscular dystrophy type 2J. Last evaluated: 2026-01-31. Review status: criteria provided, single submitter. Criteria: Invitae Variant Classification Sherloc (09022015). Collection method: clinical testing. Allele origin: germline.
Comment: This sequence change replaces proline, which is neutral and non-polar, with arginine, which is basic and polar, at codon 25207 of the TTN protein (p.Pro25207Arg). This variant is present in population databases (rs72646900, gnomAD 0.004%). This missense change has been observed in individual(s) with dilated cardiomyopathy (PMID: 26567375). ClinVar contains an entry for this variant (Variation ID: 597834). Experimental studies and prediction algorithms are not available or were not evaluated, and the functional significance of this variant is currently unknown. This variant is located in the A band of TTN (PMID: 25589632). Variants in this region may be relevant for cardiac or neuromuscular disorders (PMID: 25589632, 23975875). In summary, the available evidence is currently insufficient to determine the role of this variant in disease. Therefore, it has been classified as a Variant of Uncertain Significance.

Eurofins Ntd Llc (ga)
Classification: Uncertain significance. Last evaluated: 2018-07-03. Review status: criteria provided, single submitter. Criteria: EGL ClinVar v180209 classification definitions. Collection method: clinical testing. Allele origin: germline. Observed: 1 variant allele, 1 heterozygote.

Literature cited by the submitters: PubMed 26567375 (cited by Labcorp Genetics (formerly Invitae), Labcorp); PubMed 25589632 (cited by Labcorp Genetics (formerly Invitae), Labcorp); PubMed 23975875 (cited by Labcorp Genetics (formerly Invitae), Labcorp).

NM_001267550.2(TTN):c.75620C>G (p.Pro25207Arg)

Genes: TTN (titin; minus strand), TTN-AS1 (TTN antisense RNA 1; plus strand). Cytogenetic location: 2q31.2.
Variant type: single nucleotide variant.
Coding change: c.75620C>G on transcript NM_001267550.2 (MANE Select); coding-DNA position 75620, C replaced by G.
Protein change: p.Pro25207Arg; replaces proline 25207 with arginine.
Molecular consequence: missense variant.
Genome position (GRCh38, 1-based): chr2:178,570,512, G>C on the plus strand (C>G on the coding strand, the complement: TTN is on the minus strand). VCF-style: chr2-178570512-G-C. GRCh37 (hg19) VCF-style: chr2-179435239-G-C.
Other names: c.70697C>G, p.Pro23566Arg (NM_001256850.1); c.48425C>G, p.Pro16142Arg (NM_003319.4); c.67916C>G, p.Pro22639Arg (NM_133378.4); c.48800C>G, p.Pro16267Arg (NM_133432.3); c.49001C>G, p.Pro16334Arg (NM_133437.4); short protein forms P22639R, P25207R, P16334R, P23566R, P16267R, P16142R.
Identifiers: ClinVar variation 597834 (VCV000597834.10), dbSNP rs72646900, ClinGen allele CA60995043.